The following is an entry in ClinVar:

NM_003072.5(SMARCA4):c.2860-2A>G

Gene: SMARCA4 (SWI/SNF related BAF chromatin remodeling complex subunit ATPase 4; plus strand). Cytogenetic location: 19p13.2.
Variant type: single nucleotide variant.
Coding change: c.2860-2A>G on transcript NM_003072.5 (MANE Select); the canonical splice acceptor site of the intron before coding-DNA position 2860, A replaced by G.
Molecular consequence: splice acceptor variant.
Genome position (GRCh38, 1-based): chr19:11,023,516, A>G. VCF-style: chr19-11023516-A-G. GRCh37 (hg19) VCF-style: chr19-11134192-A-G.
Other names: c.2860-2A>G (NM_001128844.3, NM_001128849.3, NM_001128847.4 and 6 more transcripts).
Identifiers: ClinVar variation 1483363 (VCV001483363.8), dbSNP rs2146451944, ClinGen allele CA404057453.

ClinVar aggregate classification (germline): Likely pathogenic (1 of 4 stars; one submission).

Conditions:
Rhabdoid tumor predisposition syndrome 2 (RTPS2). Identifiers: Orphanet 231108, Orphanet 69077, MedGen C2750074, MONDO:0013224, OMIM 613325.

Submission:

Labcorp Genetics (formerly Invitae), Labcorp
Classification: Likely pathogenic for Rhabdoid tumor predisposition syndrome 2. Last evaluated: 2021-04-09. Review status: criteria provided, single submitter. Criteria: Invitae Variant Classification Sherloc (09022015). Collection method: clinical testing. Allele origin: germline.
Comment: In summary, the currently available evidence indicates that the variant is pathogenic, but additional data are needed to prove that conclusively. Therefore, this variant has been classified as Likely Pathogenic. Algorithms developed to predict the effect of sequence changes on RNA splicing suggest that this variant may disrupt the consensus splice site, but this prediction has not been confirmed by published transcriptional studies. This variant has not been reported in the literature in individuals with SMARCA4-related conditions. This variant is not present in population databases (ExAC no frequency). This sequence change affects an acceptor splice site in intron 19 of the SMARCA4 gene. It is expected to disrupt RNA splicing. Variants that disrupt the donor or acceptor splice site typically lead to a loss of protein function (PMID: 16199547), and loss-of-function variants in SMARCA4 are known to be pathogenic (PMID: 24658001, 24658002).

Literature cited by the submitters: PubMed 16199547; PubMed 24658001; PubMed 24658002.